The following is an entry in ClinVar:

ClinVar aggregate classification (germline): Conflicting classifications of pathogenicity. Review status: criteria provided, conflicting classifications (1 of 4 stars). 5 submissions from 5 submitters: Uncertain significance (4); Likely benign (1). Last evaluated 2025-07-26.

Conditions:
TTN-related disorder. Also called: TTN-related condition; TTN-related disease; TTN-related disorders.
Cardiovascular phenotype. Identifiers: MedGen CN230736.

Allele frequency attached by ClinVar (database versions not stated): gnomAD 0.00002 and 0.00003; gnomAD exomes 0.00003 and 0.00006; TOPMed 0.00003; ExAC 0.00004; ESP Exome Variant Server 0.00008.
gnomAD v4.1: 90 of 1,613,732 alleles (0.0056%); highest among the groups gnomAD compares: Non-Finnish European, 0.0074%; no homozygotes.

Submissions (5):

PreventionGenetics, part of Exact Sciences
Classification: Uncertain significance for TTN-related condition. Last evaluated: 2025-07-26. Review status: criteria provided, single submitter. Criteria: ACMG Guidelines, 2015. Collection method: clinical testing. Allele origin: germline.
Comment: The TTN c.90332T>C variant is predicted to result in the amino acid substitution p.Leu30111Pro. To our knowledge, this variant has not been reported in the literature. This variant is reported in 0.0070% of alleles in individuals of European (Non-Finnish) descent in gnomAD. At this time, the clinical significance of this variant is uncertain due to the absence of conclusive functional and genetic evidence.

Revvity Omics, Revvity
Classification: Uncertain significance. Last evaluated: 2024-12-21. Review status: criteria provided, single submitter. Criteria: ACMG Guidelines, 2015. Collection method: clinical testing. Allele origin: germline.

Ambry Genetics
Classification: Uncertain significance for Cardiovascular phenotype. Last evaluated: 2017-12-16. Review status: criteria provided, single submitter. Criteria: Ambry Variant Classification Scheme 2023. Collection method: clinical testing. Allele origin: germline.
Comment: The p.L21046P variant (also known as c.63137T>C), located in coding exon 162 of the TTN gene, results from a T to C substitution at nucleotide position 63137. The leucine at codon 21046 is replaced by proline, an amino acid with similar properties. This amino acid position is not well conserved in available vertebrate species. In addition, this alteration is predicted to be tolerated by in silico analysis. Since supporting evidence is limited at this time, the clinical significance of this alteration remains unclear.

GeneDx
Classification: Likely benign. Last evaluated: 2017-12-14. Review status: criteria provided, single submitter. Criteria: GeneDx Variant Classification (06012015). Collection method: clinical testing. Allele origin: germline. Affected: yes.
Comment: This variant is considered likely benign or benign based on one or more of the following criteria: it is a conservative change, it occurs at a poorly conserved position in the protein, it is predicted to be benign by multiple in silico algorithms, and/or has population frequency not consistent with disease.

Eurofins Ntd Llc (ga)
Classification: Uncertain significance. Last evaluated: 2016-09-06. Review status: criteria provided, single submitter. Criteria: EGL Classification Definitions 2015. Collection method: clinical testing. Allele origin: germline. Observed: 1 variant allele, 1 heterozygote.

NM_001267550.2(TTN):c.90332T>C (p.Leu30111Pro)

Genes: TTN (titin; minus strand), TTN-AS1 (TTN antisense RNA 1; plus strand). Cytogenetic location: 2q31.2.
Variant type: single nucleotide variant.
Coding change: c.90332T>C on transcript NM_001267550.2 (MANE Select); coding-DNA position 90332, T replaced by C.
Protein change: p.Leu30111Pro; replaces leucine 30111 with proline.
Molecular consequence: missense variant.
Genome position (GRCh38, 1-based): chr2:178,552,568, A>G on the plus strand (T>C on the coding strand, the complement: TTN is on the minus strand). VCF-style: chr2-178552568-A-G. GRCh37 (hg19) VCF-style: chr2-179417295-A-G.
Other names: c.85409T>C, p.Leu28470Pro (NM_001256850.1); c.63137T>C, p.Leu21046Pro (NM_003319.4); c.82628T>C, p.Leu27543Pro (NM_133378.4); c.63512T>C, p.Leu21171Pro (NM_133432.3); c.63713T>C, p.Leu21238Pro (NM_133437.4); short protein forms L27543P, L30111P, L28470P, L21046P, L21238P, L21171P.
Identifiers: ClinVar variation 290716 (VCV000290716.12), dbSNP rs368516973, ClinGen allele CA1987801.
Genomic context (GRCh38, chr2:178,552,568, plus strand): 5'-ACTTCAGGTGTAATAATAAGTTCTTTCACTGTAATTGGCCCAATAGTGACAGGATCACTC[A>G]GTCCTTTCTCATTTTTGGCAAACACTCTGAACTCCAGGACTGACTGCTCCTTAAGTTGGC-3'
Protein context (NP_001254479.2, residues 30101-30121): FRVFAKNEKG[Leu30111Pro]SDPVTIGPIT